The following is an entry in ClinVar:

ClinVar aggregate classification (germline): Likely benign. Review status: criteria provided, multiple submitters, no conflicts (2 of 4 stars). 2 submissions from 2 submitters: Likely benign (2). Last evaluated 2022-02-09.

Conditions:
Fanconi anemia (FA). Also called: Fanconi's anemia. Identifiers: Orphanet 84, MedGen C0015625, MeSH D005199, MONDO:0019391.

Allele frequency attached by ClinVar (database versions not stated): gnomAD exomes below 0.00001; ExAC 0.00001; gnomAD 0.00001; TOPMed 0.00001.
gnomAD v4.1: 3 of 1,613,242 alleles (0.00019%); highest among the groups gnomAD compares: African/African-American, 0.0013%; no homozygotes.

Submissions (2):

Labcorp Genetics (formerly Invitae), Labcorp
Classification: Likely benign for Fanconi anemia. Last evaluated: 2022-02-09. Review status: criteria provided, single submitter. Criteria: Invitae Variant Classification Sherloc (09022015). Collection method: clinical testing. Allele origin: germline.

GeneDx
Classification: Likely benign. Last evaluated: 2016-12-29. Review status: criteria provided, single submitter. Criteria: GeneDx Variant Classification (06012015). Collection method: clinical testing. Allele origin: germline. Affected: yes.
Comment: This variant is considered likely benign or benign based on one or more of the following criteria: it is a conservative change, it occurs at a poorly conserved position in the protein, it is predicted to be benign by multiple in silico algorithms, and/or has population frequency not consistent with disease.

NM_000136.3(FANCC):c.165+10G>A

Gene: FANCC (FA complementation group C; minus strand). Cytogenetic location: 9q22.32.
Variant type: single nucleotide variant.
Coding change: c.165+10G>A on transcript NM_000136.3 (MANE Select); 10 bases into the intron after coding-DNA position 165, G replaced by A.
Molecular consequence: intron variant.
Genome position (GRCh38, 1-based): chr9:95,249,117, C>T on the plus strand (G>A on the coding strand, the complement: FANCC is on the minus strand). VCF-style: chr9-95249117-C-T. GRCh37 (hg19) VCF-style: chr9-98011399-C-T.
Other names: c.165+10G>A (NM_001243743.2, NM_001243744.2).
Identifiers: ClinVar variation 392488 (VCV000392488.5), dbSNP rs767721720, ClinGen allele CA5137827.